The following is an entry in ClinVar:

NM_033305.3(VPS13A):c.8531_8532del (p.Val2844fs)

Gene: VPS13A (vacuolar protein sorting 13 homolog A; plus strand). Cytogenetic location: 9q21.2.
Variant type: Deletion.
Coding change: c.8531_8532del on transcript NM_033305.3 (MANE Select); coding-DNA positions 8531 to 8532, 2 bases deleted (TC; older notation c.8531_8532delTC).
Protein change: p.Val2844fs; shifts the reading frame from valine 2844.
Molecular consequence: frameshift variant.
Genome position (GRCh38, 1-based): chr9:77,368,114-77,368,115, TC deleted. VCF-style (leftmost placement, unchanged base first): chr9-77368113-GTC-G. GRCh37 (hg19) VCF-style: chr9-79983029-GTC-G.
Other names: c.8414_8415del, p.Val2805fs (NM_001018037.2); c.8531_8532del, p.Val2844fs (NM_001018038.3, NM_015186.4); short protein forms V2805fs, V2844fs.
Identifiers: ClinVar variation 5011653 (VCV005011653.1).

ClinVar aggregate classification (germline): Pathogenic (1 of 4 stars; one submission).

Conditions:
VPS13A-related neurodegenerative disease. Also called: ACANTHOCYTOSIS WITH NEUROLOGIC DISORDER; LEVINE-CRITCHLEY SYNDROME; Choreoacanthocytosis; Chorea-acanthocytosis; Choreaacanthocytosis; VPS13A Disease. Identifiers: Orphanet 2388, MedGen C0393576, MONDO:0008695, OMIM 200150.

Submission:

Myriad Genetics, Inc.
Classification: Pathogenic for VPS13A-related neurodegenerative disease. Last evaluated: 2023-09-12. Review status: criteria provided, single submitter. Criteria: Myriad Autosomal Dominant, Autosomal Recessive and X-Linked Classification Criteria (2023). Collection method: clinical testing. Allele origin: unknown.
Comment: NM_033305.2(VPS13A):c.8531_8532delTC(V2844Dfs*10) is expected to be pathogenic in the context of VPS13A disease. This variant is predicted to lead to an abnormal or absent protein product due to the creation of a premature termination codon in VPS13A, a gene where loss-of-function variants are known to be pathogenic. Please note: this variant was assessed in the context of healthy population screening.